The following is an entry in ClinVar:

ClinVar aggregate classification (germline): Pathogenic/Likely pathogenic. Review status: criteria provided, multiple submitters, no conflicts (2 of 4 stars). 9 submissions from 9 submitters: Pathogenic (6); Likely pathogenic (2). 1 of the submissions does not count toward it. Last evaluated 2026-07-21.

Conditions:
Homocystinuria. Identifiers: MedGen C0019880, MONDO:0004737, HP:0002156.
CBS-related disorder. Also called: CBS-related condition.
Classic homocystinuria. Also called: HOMOCYSTINURIA WITH OR WITHOUT RESPONSE TO PYRIDOXINE; Homocystinuria due to Cystathionine Beta-Synthase Deficiency; Homocystinuria due to CBS deficiency; Cystathionine beta-synthase deficiency; CBS deficiency. Identifiers: Orphanet 394, MedGen C0751202, MONDO:0009352, OMIM 236200.
HYPERHOMOCYSTEINEMIA, THROMBOTIC, CBS-RELATED. Identifiers: MedGen C3150344, OMIM 236200.

Allele frequency attached by ClinVar (database versions not stated): gnomAD exomes 0.00001.

Submissions (9):

PreventionGenetics, part of Exact Sciences
Classification: Pathogenic for CBS-related condition. Last evaluated: 2026-07-21. Review status: criteria provided, single submitter. Criteria: ACMG Guidelines, 2015. Collection method: clinical testing. Allele origin: germline.
Comment: The CBS c.373C>T variant is predicted to result in the amino acid substitution p.Arg125Trp. This variant has been reported with a second CBS variant in individuals with homocystinuria, and it was confirmed to be in trans with a pathogenic variant in some of the reported patients (Kluijtmans et al. 1999. PubMed ID: 10364517; Urreizti et al. 2003. PubMed ID: 12815602; Karaca et al. 2013. PubMed ID: 24211323). In vitro experimental studies indicate this variant reduces enzyme activity (Kluijtmans et al. 1999. PubMed ID: 10364517; Urreizti et al. 2006. PubMed ID: 16429402). Different substitutions impacting the same amino acid (p.Arg125Gln, p.Arg125Pro) have been reported in patients with homocystinuria (for example, see Li et al. 2018. PubMed ID: 29508359; Castro et al. 2001. PubMed ID: 11553052). This variant is reported in 0.0029% of alleles in individuals of Latino descent in gnomAD. This variant is interpreted as pathogenic.

Natera, Inc.
Classification: Pathogenic for Homocystinuria due to cystathionine beta-synthase deficiency. Last evaluated: 2025-06-23. Review status: criteria provided, single submitter. Criteria: Natera Variant Classification Schema (03/2026). Collection method: clinical testing. Allele origin: germline.
Comment: The c.373C>T variant in CBS is a missense variant predicted to cause substitution of arginine to tryptophan at amino acid 125. This variant is rare in the general population with a frequency below the threshold expected for the associated phenotype(s). This variant has been observed in one or more individuals affected with the associated recessive disease, as either homozygous or compound heterozygous with a second variant (PMID: 24211323, 20821054, 12815602). Additionally, this variant has been observed to segregate in affected family members (PMID: 12815602). A different variant at the same position has been determined to be Pathogenic or Likely Pathogenic. Computational prediction algorithms indicate this variant is likely to affect gene or protein function. Given the available evidence, this variant is classified as Pathogenic.

Labcorp Genetics (formerly Invitae), Labcorp
Classification: Pathogenic for HYPERHOMOCYSTEINEMIA, THROMBOTIC, CBS-RELATED. Last evaluated: 2025-03-31. Review status: criteria provided, single submitter. Criteria: Invitae Variant Classification Sherloc (09022015). Collection method: clinical testing. Allele origin: germline.
Comment: This sequence change replaces arginine, which is basic and polar, with tryptophan, which is neutral and slightly polar, at codon 125 of the CBS protein (p.Arg125Trp). The frequency data for this variant in the population databases is considered unreliable, as metrics indicate poor data quality at this position in the gnomAD database. This missense change has been observed in individual(s) with CBS deficiency (PMID: 10364517, 12815602, 24211323). ClinVar contains an entry for this variant (Variation ID: 340089). Invitae Evidence Modeling of protein sequence and biophysical properties (such as structural, functional, and spatial information, amino acid conservation, physicochemical variation, residue mobility, and thermodynamic stability) indicates that this missense variant is expected to disrupt CBS protein function with a positive predictive value of 95%. Experimental studies have shown that this missense change affects CBS function (PMID: 16429402). This variant disrupts the p.Arg125 amino acid residue in CBS. Other variant(s) that disrupt this residue have been determined to be pathogenic (PMID: 7849717, 9587029, 10338090, 12124992, 20308073, 20506325, 22612060). This suggests that this residue is clinically significant, and that variants that disrupt this residue are likely to be disease-causing. For these reasons, this variant has been classified as Pathogenic.

Mayo Clinic Laboratories, Mayo Clinic
Classification: Pathogenic. Last evaluated: 2025-02-28. Review status: criteria provided, single submitter. Criteria: ACMG Guidelines, 2015. Collection method: clinical testing. Allele origin: germline. Observed: 1 variant allele.
Comment: PP3_strong, PP4, PM2_supporting, PM3, PM5

Baylor Genetics
Classification: Likely pathogenic for Classic homocystinuria. Last evaluated: 2023-12-10. Review status: criteria provided, single submitter. Criteria: ACMG Guidelines, 2015. Collection method: clinical testing. Allele origin: unknown.

ARUP Laboratories, Molecular Genetics and Genomics, ARUP Laboratories
Classification: Pathogenic. Last evaluated: 2023-11-27. Review status: criteria provided, single submitter. Criteria: ARUP Molecular Germline Variant Investigation Process 2024. Collection method: clinical testing. Allele origin: germline.
Comment: The CBS c.373C>T; p.Arg125Trp variant (rs886057100) is reported in the literature in individuals with cystathionine beta-synthase deficiency who carried an additional CBS variant (Chwatko 2007, Karaca 2014, Kluijtmans 1999). This variant is also reported in ClinVar (Variation ID: 340089). Functional analyses show the variant protein has decreased expression compared to wild type (Urreizti 2006), and CBS activity in patient derived fibroblasts was less than 2.5% compared to unaffected individuals (Chwatko 2007). This variant is only found on two alleles in the Genome Aggregation Database (v2.1.1), indicating it is not a common polymorphism. Computational analyses predict that this variant is deleterious (REVEL: 0.937). Additionally, a different variant at this codon (p.Arg125Gln) is reported in affected individuals and classified as pathogenic (see ClinVar Variation ID: 197625). Based on available information, the p.Arg125Trp variant is considered to be pathogenic. References: Chwatko G et al. Mutations in methylenetetrahydrofolate reductase or cystathionine beta-synthase gene, or a high-methionine diet, increase homocysteine thiolactone levels in humans and mice. FASEB J. 2007 Jun;21(8):1707-13. PMID: 17327360. Karaca M et al. High prevalence of cerebral venous sinus thrombosis (CVST) as presentation of cystathionine beta-synthase deficiency in childhood: molecular and clinical findings of Turkish probands. Gene. 2014 Jan 25;534(2):197-203. PMID: 24211323. Kluijtmans LA et al. The molecular basis of cystathionine beta-synthase deficiency in Dutch patients with homocystinuria: effect of CBS genotype on biochemical and clinical phenotype and on response to treatment. Am J Hum Genet. 1999 Jul;65(1):59-67. PMID: 10364517. Urreizti R et al. Functional assays testing pathogenicity of 14 cystathionine-beta synthase mutations. Hum Mutat. 2006 Feb;27(2):211. PMID: 16429402.

Women's Health and Genetics/Laboratory Corporation of America, LabCorp
Classification: Pathogenic for Homocystinuria. Last evaluated: 2020-03-30. Review status: criteria provided, single submitter. Criteria: LabCorp Variant Classification Summary - May 2015. Collection method: clinical testing. Allele origin: germline.
Comment: Variant summary: CBS c.373C>T (p.Arg125Trp) results in a non-conservative amino acid change located in the Pyridoxal-phosphate dependent enzyme domain (IPR001926) of the encoded protein sequence. Five of five in-silico tools predict a damaging effect of the variant on protein function. The variant allele was found at a frequency of 8e-06 in 251030 control chromosomes (gnomAD). c.373C>T has been reported in the literature in multiple compound heterozygous individuals affected with Homocystinuria (Kluijtmans_1999, Urreizti_2003, Karaca_2014). These data indicate that the variant is likely to be associated with disease. Several publications also reported experimental evidence evaluating an impact on protein function, and demonstrated absent or less than 4% residual activities in patient derived fibroblasts (Kluijtmans_1999, Urreizti_2003) and in a bacterial expression system (Urreizti_2006). Two clinical diagnostic laboratories have submitted clinical-significance assessments for this variant to ClinVar after 2014 and both of them classified the variant as likely pathogenic. Based on the evidence outlined above, the variant was classified as pathogenic.

Illumina Laboratory Services, Illumina
Classification: Likely pathogenic for Classic homocystinuria. Last evaluated: 2017-04-27. Review status: criteria provided, single submitter. Criteria: ICSL Variant Classification Criteria 09 May 2019. Collection method: clinical testing. Allele origin: germline.
Comment: The CBS c.373C>T (p.Arg125Trp) variant has been reported in three studies in which it is found in a total of five individuals with homocystinuria, including two sets of siblings, all in a compound heterozygous state (Kluijtmans et al. 1999; Urreizti et al. 2003; Chwatko et al. 2007). Control data are unavailable for this variant, and it is not found in the 1000 Genomes Project, the Exome Sequencing Project, or the Exome Aggregation Consortium. Functional studies in individual fibroblasts showed that the variant resulted in less than 2.5% of the CBS activity seen in unaffected individuals (Chwatko et al. 2007). Based on the evidence, the p.Arg125Trp variant is classified as likely pathogenic for homocystinuria. This variant was observed by ICSL as part of a predisposition screen in an ostensibly healthy population.

Counsyl
Classification: Likely pathogenic for Classic homocystinuria. Last evaluated: 2017-05-31. Review status: no assertion criteria provided. Collection method: clinical testing. Allele origin: unknown. Not counted in ClinVar's aggregate classification.

Literature cited by the submitters: PubMed 24211323 (cited by 5 submitters); PubMed 20821054 (cited by Natera, Inc. and Counsyl); PubMed 12815602 (cited by 6 submitters); PubMed 10364517 (cited by 5 submitters); PubMed 16429402 (cited by 4 submitters); PubMed 7849717 (cited by Labcorp Genetics (formerly Invitae), Labcorp); PubMed 9587029 (cited by Labcorp Genetics (formerly Invitae), Labcorp); PubMed 10338090 (cited by 3 submitters); PubMed 12124992 (cited by Labcorp Genetics (formerly Invitae), Labcorp); PubMed 20308073 (cited by Labcorp Genetics (formerly Invitae), Labcorp); PubMed 20506325 (cited by Labcorp Genetics (formerly Invitae), Labcorp); PubMed 22612060 (cited by Labcorp Genetics (formerly Invitae), Labcorp and Mayo Clinic Laboratories, Mayo Clinic); PubMed 11553052 (cited by Mayo Clinic Laboratories, Mayo Clinic); PubMed 17327360 (cited by Women's Health and Genetics/Laboratory Corporation of America, LabCorp and Illumina Laboratory Services, Illumina).

NM_000071.3(CBS):c.373C>T (p.Arg125Trp)

Gene: CBS (cystathionine beta-synthase; minus strand). Cytogenetic location: 21q22.3.
Variant type: single nucleotide variant.
Coding change: c.373C>T on transcript NM_000071.3 (MANE Select); coding-DNA position 373, C replaced by T.
Protein change: p.Arg125Trp; replaces arginine 125 with tryptophan.
Molecular consequence: missense variant.
Genome position (GRCh38, 1-based): chr21:43,066,321, G>A on the plus strand (C>T on the coding strand, the complement: CBS is on the minus strand). VCF-style: chr21-43066321-G-A. GRCh37 (hg19) VCF-style: chr21-44486431-G-A.
Other names: c.373C>T, p.Arg125Trp (NM_001178008.3, NM_001178009.3, NM_001320298.2); c.58C>T, p.Arg20Trp (NM_001321072.1); short protein forms R125W, R20W.
Identifiers: ClinVar variation 340089 (VCV000340089.24), dbSNP rs886057100, ClinGen allele CA10644742.